The following is an entry in ClinVar:

NM_000199.5(SGSH):c.*201A>T

Gene: SGSH (N-sulfoglucosamine sulfohydrolase; minus strand). Cytogenetic location: 17q25.3.
Variant type: single nucleotide variant.
Coding change: c.*201A>T on transcript NM_000199.5 (MANE Select); 201 bases downstream of the stop codon, A replaced by T.
Molecular consequence: 3 prime UTR variant. On other transcripts: non-coding transcript variant (1).
Genome position (GRCh38, 1-based): chr17:80,210,251, T>A on the plus strand (A>T on the coding strand, the complement: SGSH is on the minus strand). VCF-style: chr17-80210251-T-A. GRCh37 (hg19) VCF-style: chr17-78184050-T-A.
Other names: c.*797A>T (NM_001352921.3); c.*760A>T (NM_001352922.2).
Identifiers: ClinVar variation 325823 (VCV000325823.7), dbSNP rs139066649, ClinGen allele CA10650382.

ClinVar aggregate classification (germline): Benign/Likely benign. Review status: criteria provided, multiple submitters, no conflicts (2 of 4 stars). 2 submissions from 2 submitters: Benign (1); Likely benign (1). Last evaluated 2018-07-10.

Conditions:
Mucopolysaccharidosis, MPS-III-A (MPS3A). Also called: MUCOPOLYSACCHARIDOSIS, TYPE IIIA, ATTENUATED; Mucopolysaccharidosis type IIIA (Sanfilippo A); mucopolysaccharidosis type 3A; MPS IIIA (Sanfilippo Syndrome Type A); MPS III A; HEPARAN SULFATE SULFATASE DEFICIENCY. Identifiers: Orphanet 581, Orphanet 79269, MedGen C0086647, MONDO:0009655, OMIM 252900.

Allele frequency attached by ClinVar (database versions not stated): gnomAD exomes 0.00105; gnomAD 0.00913 and 0.00847; 1000 Genomes Project 0.00938; 1000 Genomes Project 30x 0.01031; TOPMed 0.01035.
gnomAD v4.1: 2,687 of 1,427,172 alleles (0.19%); highest among the groups gnomAD compares: African/African-American, 2.9%; 30 homozygotes.

Submissions (2):

GeneDx
Classification: Likely benign. Last evaluated: 2018-07-10. Review status: criteria provided, single submitter. Criteria: GeneDx Variant Classification Process June 2021. Collection method: clinical testing. Allele origin: germline. Affected: yes.

Illumina Laboratory Services, Illumina
Classification: Benign for Mucopolysaccharidosis, MPS-III-A. Last evaluated: 2018-01-13. Review status: criteria provided, single submitter. Criteria: ICSL Variant Classification Criteria 13 December 2019. Collection method: clinical testing. Allele origin: germline.
Comment: This variant was observed in the ICSL laboratory as part of a predisposition screen in an ostensibly healthy population. It had not been previously curated by ICSL or reported in the Human Gene Mutation Database (HGMD: prior to June 1st, 2018), and was therefore a candidate for classification through an automated scoring system. Utilizing variant allele frequency, disease prevalence and penetrance estimates, and inheritance mode, an automated score was calculated to assess if this variant is too frequent to cause the disease. Based on the score and internal cut-off values, a variant classified as benign is not then subjected to further curation. The score for this variant resulted in a classification of benign for this disease.